The following is an entry in ClinVar:

NM_031229.4(RBCK1):c.1309G>A (p.Val437Met)

Gene: RBCK1 (RANBP2-type and C3HC4-type zinc finger containing 1; plus strand). Cytogenetic location: 20p13.
Variant type: single nucleotide variant.
Coding change: c.1309G>A on transcript NM_031229.4 (MANE Select); coding-DNA position 1309, G replaced by A.
Protein change: p.Val437Met; replaces valine 437 with methionine.
Molecular consequence: missense variant. On other transcripts: non-coding transcript variant (1).
Genome position (GRCh38, 1-based): chr20:428,951, G>A. VCF-style: chr20-428951-G-A. GRCh37 (hg19) VCF-style: chr20-409595-G-A.
Other names: c.799G>A, p.Val267Met (NM_001323956.2, NM_001323958.2); c.1360G>A, p.Val454Met (NM_001410770.1); c.1183G>A, p.Val395Met (NM_006462.6); short protein forms V395M, V267M, V437M, V454M.
Identifiers: ClinVar variation 1896121 (VCV001896121.5), dbSNP rs140534156, ClinGen allele CA310623718.

ClinVar aggregate classification (germline): Uncertain significance (1 of 4 stars; one submission).

Conditions:
Polyglucosan body myopathy type 1 (PGBM1). Also called: Polyglucosan body myopathy 1 with or without immunodeficiency; POLYGLUCOSAN BODY MYOPATHY WITHOUT IMMUNODEFICIENCY. Identifiers: Orphanet 329173, Orphanet 397937, MedGen C4014605, MONDO:0014389, OMIM 615895.

Allele frequency attached by ClinVar (database versions not stated): gnomAD exomes 0.00001; TOPMed 0.00001; ESP Exome Variant Server 0.00015.
gnomAD v4.1: 9 of 1,606,738 alleles (0.00056%); highest among the groups gnomAD compares: Non-Finnish European, 0.00051%; no homozygotes.

Submission:

Labcorp Genetics (formerly Invitae), Labcorp
Classification: Uncertain significance for Polyglucosan body myopathy type 1. Last evaluated: 2024-05-29. Review status: criteria provided, single submitter. Criteria: Invitae Variant Classification Sherloc (09022015). Collection method: clinical testing. Allele origin: germline.
Comment: This sequence change replaces valine, which is neutral and non-polar, with methionine, which is neutral and non-polar, at codon 437 of the RBCK1 protein (p.Val437Met). The frequency data for this variant in the population databases is considered unreliable, as metrics indicate poor data quality at this position in the gnomAD database. This variant has not been reported in the literature in individuals affected with RBCK1-related conditions. ClinVar contains an entry for this variant (Variation ID: 1896121). An algorithm developed to predict the effect of missense changes on protein structure and function (PolyPhen-2) suggests that this variant is likely to be tolerated. Algorithms developed to predict the effect of sequence changes on RNA splicing suggest that this variant may disrupt the consensus splice site. In summary, the available evidence is currently insufficient to determine the role of this variant in disease. Therefore, it has been classified as a Variant of Uncertain Significance.